The following is an entry in ClinVar:

NM_015046.7(SETX):c.4222A>C (p.Ser1408Arg)

Gene: SETX (senataxin; minus strand). Cytogenetic location: 9q34.13.
Variant type: single nucleotide variant.
Coding change: c.4222A>C on transcript NM_015046.7 (MANE Select); coding-DNA position 4222, A replaced by C.
Protein change: p.Ser1408Arg; replaces serine 1408 with arginine.
Molecular consequence: missense variant.
Genome position (GRCh38, 1-based): chr9:132,327,376, T>G on the plus strand (A>C on the coding strand, the complement: SETX is on the minus strand). VCF-style: chr9-132327376-T-G. GRCh37 (hg19) VCF-style: chr9-135202763-T-G.
Other names: c.4222A>C, p.Ser1408Arg (NM_001351527.2, NM_001351528.2); short protein forms S1408R.
Identifiers: ClinVar variation 3370979 (VCV003370979.4).

ClinVar aggregate classification (germline): Uncertain significance. Review status: criteria provided, multiple submitters, no conflicts (2 of 4 stars). 3 submissions from 3 submitters: Uncertain significance (3). Last evaluated 2025-06-07.

Conditions:
Amyotrophic lateral sclerosis type 4 (ALS4). Also called: AMYOTROPHIC LATERAL SCLEROSIS 4, JUVENILE; NEURONOPATHY, DISTAL HEREDITARY MOTOR, WITH PYRAMIDAL FEATURES. Identifiers: Orphanet 357043, MedGen C1865409, MONDO:0011223, OMIM 602433.
Spinocerebellar ataxia, autosomal recessive, with axonal neuropathy 2 (SCAN2). Also called: ATAXIA-OCULOMOTOR APRAXIA 2; Ataxia with Oculomotor Apraxia Type 2; Ataxia with Oculomotor Apraxia; Ataxia-ocular apraxia-2. Identifiers: Orphanet 64753, MedGen C1853761, MONDO:0018996, OMIM 606002.
Inborn genetic diseases. Identifiers: MedGen C0950123, MeSH D030342.

gnomAD v4.1: 1 of 1,614,268 alleles (0.000062%); highest among the groups gnomAD compares: Admixed American, 0.0017%; no homozygotes.

Submissions (3):

Ambry Genetics
Classification: Uncertain significance for Inborn genetic diseases. Last evaluated: 2025-06-07. Review status: criteria provided, single submitter. Criteria: Ambry Variant Classification Scheme 2023. Collection method: clinical testing. Allele origin: germline.

Labcorp Genetics (formerly Invitae), Labcorp
Classification: Uncertain significance for Amyotrophic lateral sclerosis type 4; Spinocerebellar ataxia, autosomal recessive, with axonal neuropathy 2. Last evaluated: 2024-12-12. Review status: criteria provided, single submitter. Criteria: Invitae Variant Classification Sherloc (09022015). Collection method: clinical testing. Allele origin: germline.
Comment: This sequence change replaces serine, which is neutral and polar, with arginine, which is basic and polar, at codon 1408 of the SETX protein (p.Ser1408Arg). This variant is not present in population databases (gnomAD no frequency). This variant has not been reported in the literature in individuals affected with SETX-related conditions. Invitae Evidence Modeling of protein sequence and biophysical properties (such as structural, functional, and spatial information, amino acid conservation, physicochemical variation, residue mobility, and thermodynamic stability) indicates that this missense variant is not expected to disrupt SETX protein function with a negative predictive value of 95%. In summary, the available evidence is currently insufficient to determine the role of this variant in disease. Therefore, it has been classified as a Variant of Uncertain Significance.

GeneDx
Classification: Uncertain significance. Last evaluated: 2024-03-14. Review status: criteria provided, single submitter. Criteria: GeneDx Variant Classification Process June 2021. Collection method: clinical testing. Allele origin: germline. Affected: yes.
Comment: Not observed at significant frequency in large population cohorts (gnomAD); In silico analysis supports that this missense variant does not alter protein structure/function; Has not been previously published as pathogenic or benign to our knowledge